The following is an entry in ClinVar:

NM_001458.5(FLNC):c.3258C>A (p.Asp1086Glu)

Gene: FLNC (filamin C; plus strand). Cytogenetic location: 7q32.1.
Variant type: single nucleotide variant.
Coding change: c.3258C>A on transcript NM_001458.5 (MANE Select); coding-DNA position 3258, C replaced by A.
Protein change: p.Asp1086Glu; replaces aspartic acid 1086 with glutamic acid.
Molecular consequence: missense variant.
Genome position (GRCh38, 1-based): chr7:128,844,723, C>A. VCF-style: chr7-128844723-C-A. GRCh37 (hg19) VCF-style: chr7-128484777-C-A.
Other names: c.3258C>A, p.Asp1086Glu (NM_001127487.2); short protein forms D1086E.
Identifiers: ClinVar variation 3279216 (VCV003279216.1).

ClinVar aggregate classification (germline): Uncertain significance (1 of 4 stars; one submission).

Conditions:
Cardiovascular phenotype. Identifiers: MedGen CN230736.

gnomAD v4.1: 3 of 1,613,788 alleles (0.00019%); highest among the groups gnomAD compares: Non-Finnish European, 0.00025%; no homozygotes.

Submission:

Ambry Genetics
Classification: Uncertain significance for Cardiovascular phenotype. Last evaluated: 2024-04-23. Review status: criteria provided, single submitter. Criteria: Ambry Variant Classification Scheme 2023. Collection method: clinical testing. Allele origin: germline.
Comment: The p.D1086E variant (also known as c.3258C>A), located in coding exon 21 of the FLNC gene, results from a C to A substitution at nucleotide position 3258. The aspartic acid at codon 1086 is replaced by glutamic acid, an amino acid with highly similar properties. This amino acid position is conserved. In addition, the in silico prediction for this alteration is inconclusive. Based on the available evidence, the clinical significance of this variant remains unclear.